The following is an entry in ClinVar:

NM_014141.6(CNTNAP2):c.959C>G (p.Pro320Arg)

Gene: CNTNAP2 (contactin associated protein 2; plus strand). Cytogenetic location: 7q35.
Variant type: single nucleotide variant.
Coding change: c.959C>G on transcript NM_014141.6 (MANE Select); coding-DNA position 959, C replaced by G.
Protein change: p.Pro320Arg; replaces proline 320 with arginine.
Molecular consequence: missense variant.
Genome position (GRCh38, 1-based): chr7:147,128,712, C>G. VCF-style: chr7-147128712-C-G. GRCh37 (hg19) VCF-style: chr7-146825804-C-G.
Other names: short protein forms P320R.
Identifiers: ClinVar variation 2119482 (VCV002119482.4), dbSNP rs765754117, ClinGen allele CA168690432.

ClinVar aggregate classification (germline): Uncertain significance (1 of 4 stars; one submission).

Conditions:
Cortical dysplasia-focal epilepsy syndrome (PTHSL1). Also called: Pitt-Hopkins-like syndrome 1. Identifiers: Orphanet 163681, Orphanet 221150, MedGen C2750246, MONDO:0012400, OMIM 610042.

Allele frequency attached by ClinVar (database versions not stated): gnomAD exomes below 0.00001; gnomAD 0.00001.
gnomAD v4.1: 4 of 1,613,886 alleles (0.00025%); highest among the groups gnomAD compares: African/African-American, 0.0027%; no homozygotes.

Submission:

Labcorp Genetics (formerly Invitae), Labcorp
Classification: Uncertain significance for Cortical dysplasia-focal epilepsy syndrome. Last evaluated: 2023-06-26. Review status: criteria provided, single submitter. Criteria: Invitae Variant Classification Sherloc (09022015). Collection method: clinical testing. Allele origin: germline.
Comment: This sequence change replaces proline, which is neutral and non-polar, with arginine, which is basic and polar, at codon 320 of the CNTNAP2 protein (p.Pro320Arg). This variant is not present in population databases (gnomAD no frequency). This variant has not been reported in the literature in individuals affected with CNTNAP2-related conditions. ClinVar contains an entry for this variant (Variation ID: 2119482). An algorithm developed to predict the effect of missense changes on protein structure and function (PolyPhen-2) suggests that this variant is likely to be disruptive. In summary, the available evidence is currently insufficient to determine the role of this variant in disease. Therefore, it has been classified as a Variant of Uncertain Significance.